The following is an entry in ClinVar:

NM_001382391.1(CSPP1):c.1697+1G>T

Gene: CSPP1 (centrosome and spindle pole associated protein 1; plus strand). Cytogenetic location: 8q13.2.
Variant type: single nucleotide variant.
Coding change: c.1697+1G>T on transcript NM_001382391.1 (MANE Select); the canonical splice donor site of the intron after coding-DNA position 1697, G replaced by T.
Molecular consequence: splice donor variant.
Genome position (GRCh38, 1-based): chr8:67,118,822, G>T. VCF-style: chr8-67118822-G-T. GRCh37 (hg19) VCF-style: chr8-68031057-G-T.
Other names: c.1655+1G>T (NM_001363132.2); c.1616+1G>T (NM_001363131.2); c.1574+1G>T (NM_001363133.2); c.1763+1G>T (NM_001364869.1); c.1682+1G>T (NM_024790.7, NM_001438331.1, NM_001438330.1); c.1583+1G>T (NM_001364870.1); c.1151+1G>T (NM_001438332.1); c.800+1G>T (NM_001291339.2).
Identifiers: ClinVar variation 217647 (VCV000217647.4), dbSNP rs863225193, ClinGen allele CA279533.

ClinVar aggregate classification (germline): Pathogenic/Likely pathogenic. Review status: criteria provided, multiple submitters, no conflicts (2 of 4 stars). 4 submissions from 4 submitters: Pathogenic (3); Likely pathogenic (1). Last evaluated 2025-04-22.

Conditions:
CSPP1-related disorder. Also called: CSPP1-related condition.
Joubert syndrome 21 (JBTS21). Identifiers: MedGen C3810212, MONDO:0014288, OMIM 615636.

Allele frequency attached by ClinVar (database versions not stated): gnomAD 0.00001; TOPMed 0.00002.
gnomAD v4.1: 4 of 1,599,816 alleles (0.00025%); highest among the groups gnomAD compares: Non-Finnish European, 0.00026%; no homozygotes.

Submissions (4):

GeneDx
Classification: Pathogenic. Last evaluated: 2025-04-22. Review status: criteria provided, single submitter. Criteria: GeneDx Variant Classification Process June 2021. Collection method: clinical testing. Allele origin: germline. Affected: yes.
Comment: Canonical splice site variant predicted to result in a null allele in a gene for which loss of function is a known mechanism of disease; Not observed at significant frequency in large population cohorts (gnomAD); This variant is associated with the following publications: (PMID: 26092869)

Blueprint Genetics
Classification: Likely pathogenic for CSPP1-related disorders. Last evaluated: 2024-03-26. Review status: criteria provided, single submitter. Criteria: ACMG Guidelines, 2015. Collection method: clinical testing. Allele origin: germline. Affected: yes. Observed: 2 variant alleles.

Fulgent Genetics
Classification: Pathogenic for Joubert syndrome 21. Last evaluated: 2022-02-22. Review status: criteria provided, single submitter. Criteria: ACMG Guidelines, 2015. Collection method: clinical testing. Allele origin: unknown.

UW Hindbrain Malformation Research Program, University of Washington
Classification: Pathogenic for Joubert syndrome 21. Last evaluated: 2015-02-23. Review status: criteria provided, single submitter. Criteria: Bachmann-Gagescu et al. (J Med Genet. 2015). Collection method: research. Allele origin: unknown. Affected: yes.